The following is an entry in ClinVar:

ClinVar aggregate classification (germline): Uncertain significance (1 of 4 stars; one submission).

Allele frequency attached by ClinVar (database versions not stated): gnomAD exomes below 0.00001; TOPMed 0.00001.
gnomAD v4.1: 1 of 1,607,564 alleles (0.000062%); highest among the groups gnomAD compares: African/African-American, 0.0013%; no homozygotes.

Submission:

Ambry Genetics
Classification: Uncertain significance. Last evaluated: 2023-06-23. Review status: criteria provided, single submitter. Criteria: Ambry Variant Classification Scheme 2023. Collection method: clinical testing. Allele origin: germline.
Comment: The p.V604L variant (also known as c.1810G>T), located in coding exon 18 of the RASA2 gene, results from a G to T substitution at nucleotide position 1810. The valine at codon 604 is replaced by leucine, an amino acid with highly similar properties. This amino acid position is conserved. In addition, this alteration is predicted to be tolerated by in silico analysis. Since supporting evidence is limited at this time, the clinical significance of this alteration remains unclear.

NM_006506.5(RASA2):c.1810G>T (p.Val604Leu)

Gene: RASA2 (RAS p21 protein activator 2; plus strand). Cytogenetic location: 3q23.
Variant type: single nucleotide variant.
Coding change: c.1810G>T on transcript NM_006506.5 (MANE Select); coding-DNA position 1810, G replaced by T.
Protein change: p.Val604Leu; replaces valine 604 with leucine.
Molecular consequence: missense variant.
Genome position (GRCh38, 1-based): chr3:141,586,082, G>T. VCF-style: chr3-141586082-G-T. GRCh37 (hg19) VCF-style: chr3-141304924-G-T.
Other names: c.1810G>T, p.Val604Leu (NM_001303245.3, NM_001303246.3); short protein forms V604L.
Identifiers: ClinVar variation 2625073 (VCV002625073.2), dbSNP rs1386137475, ClinGen allele CA354781850.